The following is an entry in ClinVar:

ClinVar aggregate classification (germline): Likely benign (1 of 4 stars; one submission).

Conditions:
Leigh syndrome (NULS). Also called: Leigh's necrotizing encephalopathy; Leigh's disease; Leigh's syndrome; LEIGH SYNDROME, NUCLEAR; Leigh Syndrome (mtDNA deletion); Leigh Disease. Identifiers: Orphanet 506, MedGen C2931891, MONDO:0009723, OMIM 256000.

Submission:

Wong Mito Lab, Molecular and Human Genetics, Baylor College of Medicine
Classification: Likely benign for Leigh syndrome. Last evaluated: 2019-10-17. Review status: criteria provided, single submitter. Criteria: Modified ACMG Guidelines (Unpublished). Collection method: clinical testing. Allele origin: germline.
Comment: The NC_012920.1:m.13801A>G (YP_003024036.1:p.Thr489Ala) variant in MTND5 gene is interpretated to be a Likely Benign variant based on the modified ACMG guidelines (unpublished). This variant meets the following evidence codes: BP4, BP5

NC_012920.1(MT-ND5):m.13801A>G

Gene: MT-ND5 (mitochondrially encoded NADH dehydrogenase 5; plus strand).
Variant type: single nucleotide variant.
Genome position: chrM-13801-A-G.
Identifiers: ClinVar variation 693612 (VCV000693612.1), dbSNP rs1603224358, ClinGen allele CA414819578.